The following is an entry in ClinVar:

ClinVar aggregate classification (germline): Benign/Likely benign. Review status: criteria provided, multiple submitters, no conflicts (2 of 4 stars). 10 submissions from 10 submitters: Benign (4); Likely benign (4). 2 of the submissions do not count toward it. Last evaluated 2026-03-01.

Conditions:
Familial thoracic aortic aneurysm and aortic dissection (TAAD). Also called: Thoracic aortic aneurysms and dissections. Identifiers: Orphanet 91387, MedGen C4707243, MONDO:0019625.
Congenital contractural arachnodactyly (CCA). Also called: BEALS SYNDROME; Beals-Hecht syndrome; Arthrogryposis, distal, type 9. Identifiers: Orphanet 115, MedGen C0220668, MONDO:0007363, OMIM 121050.

Allele frequency attached by ClinVar (database versions not stated): ESP Exome Variant Server 0.00015; TOPMed 0.00023; gnomAD 0.00034; gnomAD exomes 0.00053; 1000 Genomes Project 0.00060; ExAC 0.00060; 1000 Genomes Project 30x 0.00062.
gnomAD v4.1: 730 of 1,613,776 alleles (0.045%); highest among the groups gnomAD compares: Non-Finnish European, 0.05%; no homozygotes.

Submissions (10):

CeGaT Center for Human Genetics Tuebingen
Classification: Likely benign. Last evaluated: 2026-03-01. Review status: criteria provided, single submitter. Criteria: CeGaT Center For Human Genetics Tuebingen Variant Classification Criteria Version 2. Collection method: clinical testing. Allele origin: germline. Affected: yes. Observed: 3 variant alleles.
Comment: FBN2: BP4, BP7

Labcorp Genetics (formerly Invitae), Labcorp
Classification: Benign for Congenital contractural arachnodactyly. Last evaluated: 2026-01-26. Review status: criteria provided, single submitter. Criteria: Invitae Variant Classification Sherloc (09022015). Collection method: clinical testing. Allele origin: germline.

Women's Health and Genetics/Laboratory Corporation of America, LabCorp
Classification: Benign. Last evaluated: 2024-07-21. Review status: criteria provided, single submitter. Criteria: LabCorp Variant Classification Summary - May 2015. Collection method: clinical testing. Allele origin: germline.

Blueprint Genetics
Classification: Likely benign. Last evaluated: 2024-06-20. Review status: criteria provided, single submitter. Criteria: ACMG Guidelines, 2015. Collection method: clinical testing. Allele origin: germline.

ARUP Laboratories, Molecular Genetics and Genomics, ARUP Laboratories
Classification: Benign. Last evaluated: 2021-07-02. Review status: criteria provided, single submitter. Criteria: ARUP Molecular Germline Variant Investigation Process 2021. Collection method: clinical testing. Allele origin: germline.

Illumina Laboratory Services, Illumina
Classification: Likely benign for Congenital contractural arachnodactyly. Last evaluated: 2018-01-13. Review status: criteria provided, single submitter. Criteria: ICSL Variant Classification Criteria 13 December 2019. Collection method: clinical testing. Allele origin: germline.
Comment: This variant was observed in the ICSL laboratory as part of a predisposition screen in an ostensibly healthy population. It had not been previously curated by ICSL or reported in the Human Gene Mutation Database (HGMD: prior to June 1st, 2018), and was therefore a candidate for classification through an automated scoring system. Utilizing variant allele frequency, disease prevalence and penetrance estimates, and inheritance mode, an automated score was calculated to assess if this variant is too frequent to cause the disease. Based on the score and internal cut-off values, a variant classified as likely benign is not then subjected to further curation. The score for this variant resulted in a classification of likely benign for this disease.

Ambry Genetics
Classification: Likely benign for Familial thoracic aortic aneurysm and aortic dissection. Last evaluated: 2016-11-29. Review status: criteria provided, single submitter. Criteria: Ambry Variant Classification Scheme 2023. Collection method: clinical testing. Allele origin: germline.

GeneDx
Classification: Benign. Last evaluated: 2014-09-10. Review status: criteria provided, single submitter. Criteria: GeneDx Variant Classification (06012015). Collection method: clinical testing. Allele origin: germline. Affected: yes.
Comment: This variant is considered likely benign or benign based on one or more of the following criteria: it is a conservative change, it occurs at a poorly conserved position in the protein, it is predicted to be benign by multiple in silico algorithms, and/or has population frequency not consistent with disease.

Clinical Genetics DNA and cytogenetics Diagnostics Lab, Erasmus MC, Erasmus Medical Center
Classification: Likely benign. Review status: no assertion criteria provided. Collection method: clinical testing. Allele origin: germline. Affected: yes. Study: VKGL Data-share Consensus. Not counted in ClinVar's aggregate classification.

Genome Diagnostics Laboratory, University Medical Center Utrecht
Classification: Likely benign. Review status: no assertion criteria provided. Collection method: clinical testing. Allele origin: germline. Affected: yes. Study: VKGL Data-share Consensus. Not counted in ClinVar's aggregate classification.

NM_001999.4(FBN2):c.6666G>A (p.Pro2222=)

Gene: FBN2 (fibrillin 2; minus strand). Cytogenetic location: 5q23.3.
Variant type: single nucleotide variant.
Coding change: c.6666G>A on transcript NM_001999.4 (MANE Select); coding-DNA position 6666, G replaced by A.
Protein change: p.Pro2222=; no amino-acid change (proline 2222 retained).
Molecular consequence: synonymous variant.
Genome position (GRCh38, 1-based): chr5:128,288,529, C>T on the plus strand (G>A on the coding strand, the complement: FBN2 is on the minus strand). VCF-style: chr5-128288529-C-T. GRCh37 (hg19) VCF-style: chr5-127624221-C-T.
Identifiers: ClinVar variation 213247 (VCV000213247.51), dbSNP rs192923239, ClinGen allele CA324896.